The following is an entry in ClinVar:

ClinVar aggregate classification (germline): Likely benign. Review status: criteria provided, multiple submitters, no conflicts (2 of 4 stars). 2 submissions from 2 submitters: Likely benign (2). Last evaluated 2018-06-16.

Allele frequency attached by ClinVar (database versions not stated): gnomAD 0.01683 and 0.01914; gnomAD exomes 0.01953; TOPMed 0.02752; 1000 Genomes Project 0.05172; 1000 Genomes Project 30x 0.05215.
gnomAD v4.1: 15,161 of 774,642 alleles (2%); highest among the groups gnomAD compares: East Asian, 18%; 1,032 homozygotes.

Submissions (2):

GeneDx
Classification: Likely benign. Last evaluated: 2018-06-16. Review status: criteria provided, single submitter. Criteria: GeneDx Variant Classification (06012015). Collection method: clinical testing. Allele origin: germline. Affected: yes.
Comment: This variant is considered likely benign or benign based on one or more of the following criteria: it is a conservative change, it occurs at a poorly conserved position in the protein, it is predicted to be benign by multiple in silico algorithms, and/or has population frequency not consistent with disease.

Breakthrough Genomics
Classification: Likely benign. Review status: criteria provided, single submitter. Criteria: ACMG Guidelines, 2015. Collection method: not provided. Allele origin: germline. Inheritance: Autosomal recessive inheritance. Affected: yes.

NM_006767.4(LZTR1):c.1942+165A>G

Gene: LZTR1 (leucine zipper like post translational regulator 1; plus strand). Cytogenetic location: 22q11.21.
Variant type: single nucleotide variant.
Coding change: c.1942+165A>G on transcript NM_006767.4 (MANE Select); 165 bases into the intron after coding-DNA position 1942, A replaced by G.
Molecular consequence: intron variant.
Genome position (GRCh38, 1-based): chr22:20,995,191, A>G. VCF-style: chr22-20995191-A-G. GRCh37 (hg19) VCF-style: chr22-21349480-A-G.
Identifiers: ClinVar variation 561669 (VCV000561669.2), dbSNP rs5761754, ClinGen allele CA322270399.